The following is an entry in ClinVar:

ClinVar aggregate classification (germline): Uncertain significance. Review status: criteria provided, single submitter (1 of 4 stars). 2 submissions from 2 submitters: Uncertain significance (1). 1 of the submissions does not count toward it. Last evaluated 2022-06-27.

Conditions:
Zellweger spectrum disorders (ZS). Also called: Zellweger Spectrum Disorder; Zellweger Spectrum; Zellweger Spectrum Disorder (ZSD); Zellweger syndrome. Identifiers: Orphanet 912, MedGen C0043459, MONDO:0019609.

Submissions (2):

Labcorp Genetics (formerly Invitae), Labcorp
Classification: Uncertain significance for Zellweger spectrum disorders. Last evaluated: 2022-06-27. Review status: criteria provided, single submitter. Criteria: Invitae Variant Classification Sherloc (09022015). Collection method: clinical testing. Allele origin: germline.
Comment: This sequence change replaces serine, which is neutral and polar, with asparagine, which is neutral and polar, at codon 1201 of the PEX1 protein (p.Ser1201Asn). This variant is not present in population databases (gnomAD no frequency). This variant has not been reported in the literature in individuals affected with PEX1-related conditions. ClinVar contains an entry for this variant (Variation ID: 1059347). Advanced modeling of protein sequence and biophysical properties (such as structural, functional, and spatial information, amino acid conservation, physicochemical variation, residue mobility, and thermodynamic stability) performed at Invitae indicates that this missense variant is not expected to disrupt PEX1 protein function. In summary, the available evidence is currently insufficient to determine the role of this variant in disease. Therefore, it has been classified as a Variant of Uncertain Significance.

Natera, Inc.
Classification: Uncertain significance for Zellweger syndrome. Last evaluated: 2020-02-13. Review status: no assertion criteria provided. Collection method: clinical testing. Allele origin: germline. Not counted in ClinVar's aggregate classification.

NM_000466.3(PEX1):c.3602G>A (p.Ser1201Asn)

Genes: GATAD1 (GATA zinc finger domain containing 1; plus strand), PEX1 (peroxisomal biogenesis factor 1; minus strand). Cytogenetic location: 7q21.2.
Variant type: single nucleotide variant.
Coding change: c.3602G>A on transcript NM_000466.3 (MANE Select); coding-DNA position 3602, G replaced by A.
Protein change: p.Ser1201Asn; replaces serine 1201 with asparagine.
Molecular consequence: missense variant.
Genome position (GRCh38, 1-based): chr7:92,489,748, C>T on the plus strand (G>A on the coding strand, the complement: PEX1 is on the minus strand). VCF-style: chr7-92489748-C-T. GRCh37 (hg19) VCF-style: chr7-92119062-C-T.
Other names: c.3431G>A, p.Ser1144Asn (NM_001282677.2); c.2978G>A, p.Ser993Asn (NM_001282678.2); short protein forms S1144N, S1201N, S993N.
Identifiers: ClinVar variation 1059347 (VCV001059347.10), dbSNP rs1791175493, ClinGen allele CA368161031.
Genomic context (GRCh38, chr7:92,489,748, plus strand): 5'-TTATAATGAGGGGGAAAAAGCCATACTCCACTTTGGCTCCGGTATCTGCCTTTGATAATA[C>T]TGATATCTGCCCTCAGTTGATCTCTTTGTTCTTGTGTAAGTTCTTGGCAACCCTCTTGTG-3'
Protein context (NP_000457.1, residues 1191-1211): EQRDQLRADI[Ser1201Asn]IIKGRYRSQS